The following is an entry in ClinVar:

NM_005359.6(SMAD4):c.1046C>T (p.Thr349Ile)

Gene: SMAD4 (SMAD family member 4; plus strand). Cytogenetic location: 18q21.2.
Variant type: single nucleotide variant.
Coding change: c.1046C>T on transcript NM_005359.6 (MANE Select); coding-DNA position 1046, C replaced by T.
Protein change: p.Thr349Ile; replaces threonine 349 with isoleucine.
Molecular consequence: missense variant.
Genome position (GRCh38, 1-based): chr18:51,065,513, C>T. VCF-style: chr18-51065513-C-T. GRCh37 (hg19) VCF-style: chr18-48591883-C-T.
Other names: short protein forms T349I.
Identifiers: ClinVar variation 185189 (VCV000185189.30), dbSNP rs564408927, ClinGen allele CA191266.

ClinVar aggregate classification (germline): Conflicting classifications of pathogenicity. Review status: criteria provided, conflicting classifications (1 of 4 stars). 8 submissions from 8 submitters: Uncertain significance (5); Likely benign (2). 1 of the submissions does not count toward it. Last evaluated 2025-11-20.

Conditions:
Familial thoracic aortic aneurysm and aortic dissection (TAAD). Also called: Thoracic aortic aneurysms and dissections. Identifiers: Orphanet 91387, MedGen C4707243, MONDO:0019625.
Hereditary cancer-predisposing syndrome. Also called: Neoplastic Syndromes, Hereditary; Tumor predisposition; Hereditary neoplastic syndrome; Hereditary Cancer Syndrome. Identifiers: Orphanet 140162, MedGen C0027672, MeSH D009386, MONDO:0015356.
Juvenile polyposis syndrome (JPS). Identifiers: Orphanet 2929, MedGen C0345893, MONDO:0017380, OMIM 174900.
Juvenile polyposis/hereditary hemorrhagic telangiectasia syndrome (JPHT). Also called: JP/HHT SYNDROME; JUVENILE POLYPOSIS WITH HEREDITARY HEMORRHAGIC TELANGIECTASIA; POLYPOSIS, GENERALIZED JUVENILE, WITH PULMONARY ARTERIOVENOUS MALFORMATION; TELANGIECTASIA, HEREDITARY HEMORRHAGIC, WITH JUVENILE POLYPOSIS COLI; Juvenile Polyposis Syndrome / Hereditary Hemorrhagic Telangiectasia (JPS/HHT). Identifiers: Orphanet 2929, MedGen C1832942, MONDO:0008278, OMIM 175050.

Allele frequency attached by ClinVar (database versions not stated): ExAC 0.00001; gnomAD 0.00001; gnomAD exomes 0.00002; TOPMed 0.00002.
gnomAD v4.1: 27 of 1,613,934 alleles (0.0017%); highest among the groups gnomAD compares: Non-Finnish European, 0.0023%; no homozygotes.

Submissions (8):

Labcorp Genetics (formerly Invitae), Labcorp
Classification: Likely benign for Juvenile polyposis syndrome. Last evaluated: 2025-11-20. Review status: criteria provided, single submitter. Criteria: Invitae Variant Classification Sherloc (09022015). Collection method: clinical testing. Allele origin: germline.

All of Us Research Program, National Institutes of Health
Classification: Uncertain significance for Juvenile polyposis/hereditary hemorrhagic telangiectasia syndrome. Last evaluated: 2024-09-23. Review status: criteria provided, single submitter. Criteria: ACMG Guidelines, 2015. Collection method: clinical testing. Allele origin: germline. Inheritance: Autosomal dominant inheritance. Observed: 6 variant alleles, 6 heterozygotes.
Comment: This missense variant replaces threonine with isoleucine at codon 349 of the SMAD4 protein. Computational prediction suggests that this variant may have deleterious impact on protein structure and function (internally defined REVEL score threshold >= 0.7, PMID: 27666373). To our knowledge, functional studies have not been reported for this variant. This variant has not been reported in individuals affected with SMAD4-related disorders in the literature. This variant has been identified in 6/251444 chromosomes in the general population by the Genome Aggregation Database (gnomAD). The available evidence is insufficient to determine the role of this variant in disease conclusively. Therefore, this variant is classified as a Variant of Uncertain Significance.

This study involves interpretation of variants in research participants for the purpose of population health screening. Participant phenotype was not available at the time of variant classification. Additional details can be found in publication PMID: 35346344, PMCID: PMC8962531

GeneDx
Classification: Uncertain significance. Last evaluated: 2024-02-28. Review status: criteria provided, single submitter. Criteria: GeneDx Variant Classification Process June 2021. Collection method: clinical testing. Allele origin: germline. Affected: yes.
Comment: In silico analysis supports that this missense variant has a deleterious effect on protein structure/function; Has not been previously published as pathogenic or benign to our knowledge; This variant is associated with the following publications: (PMID: 15235019, 17873119, 18823382)

Baylor Genetics
Classification: Uncertain significance for Juvenile polyposis/hereditary hemorrhagic telangiectasia syndrome. Last evaluated: 2024-01-30. Review status: criteria provided, single submitter. Criteria: ACMG Guidelines, 2015. Collection method: clinical testing. Allele origin: unknown.

Color Diagnostics, LLC DBA Color Health
Classification: Uncertain significance for Hereditary cancer-predisposing syndrome. Last evaluated: 2023-09-20. Review status: criteria provided, single submitter. Criteria: ACMG Guidelines, 2015. Collection method: clinical testing. Allele origin: germline.
Comment: This missense variant replaces threonine with isoleucine at codon 349 of the SMAD4 protein. Computational prediction suggests that this variant may have deleterious impact on protein structure and function (internally defined REVEL score threshold >= 0.7, PMID: 27666373). To our knowledge, functional studies have not been reported for this variant. This variant has not been reported in individuals affected with SMAD4-related disorders in the literature. This variant has been identified in 6/251444 chromosomes in the general population by the Genome Aggregation Database (gnomAD). The available evidence is insufficient to determine the role of this variant in disease conclusively. Therefore, this variant is classified as a Variant of Uncertain Significance.

Myriad Genetics, Inc.
Classification: Uncertain significance for Juvenile polyposis/hereditary hemorrhagic telangiectasia syndrome. Last evaluated: 2023-04-10. Review status: criteria provided, single submitter. Criteria: Myriad Autosomal Dominant, Autosomal Recessive and X-Linked Classification Criteria (2023). Collection method: clinical testing. Allele origin: unknown.
Comment: This variant is classified as a variant of uncertain significance as there is insufficient evidence to determine its impact on protein function and/or cancer risk.

Ambry Genetics
Classification: Likely benign for Hereditary cancer-predisposing syndrome; Familial thoracic aortic aneurysm and aortic dissection. Last evaluated: 2022-07-06. Review status: criteria provided, single submitter. Criteria: Ambry Variant Classification Scheme 2023. Collection method: clinical testing. Allele origin: germline.

Counsyl
Classification: Uncertain significance for Juvenile polyposis syndrome. Last evaluated: 2016-09-13. Review status: no assertion criteria provided. Collection method: clinical testing. Allele origin: unknown. Not counted in ClinVar's aggregate classification.